The following is an entry in ClinVar:

ClinVar aggregate classification (germline): Likely benign (1 of 4 stars; one submission).

Conditions:
Progressive sclerosing poliodystrophy (MTDPS4A). Also called: Alpers-Huttenlocher Syndrome (AHS); Alpers Syndrome; ALPERS PROGRESSIVE INFANTILE POLIODYSTROPHY; Mitochondrial DNA depletion syndrome 4A (Alpers type); ALPERS DIFFUSE DEGENERATION OF CEREBRAL GRAY MATTER WITH HEPATIC CIRRHOSIS; Alpers-Huttenlocher Syndrome. Identifiers: Orphanet 726, MedGen C0205710, MONDO:0008758, OMIM 203700.

Submission:

Wong Mito Lab, Molecular and Human Genetics, Baylor College of Medicine
Classification: Likely benign for Progressive sclerosing poliodystrophy. Last evaluated: 2018-10-01. Review status: criteria provided, single submitter. Criteria: ACMG Guidelines, 2015. Collection method: clinical testing. Allele origin: germline.
Comment: The NM_002693.2:c.1950-32_1950-30del (NP_002684.1:p.=) [GRCH38: NC_000015.10:g.89324258_89324260del] variant in POLG gene is interpretated to be a Likely Benign based on ACMG guidelines (PMID: 25741868). This variant meets the following evidence codes reported in the ACMG-guideline. BP4:Computational evidence/predictors indicate no impact on the POLG structure, function, or protein-protein interaction. BP6:Reputable source(s) without shared data suggest the variant is benign. Based on the evidence criteria codes applied, the variant is suggested to be Likely Benign.

NM_002693.3(POLG):c.1950-32_1950-30del

Gene: POLG (DNA polymerase gamma, catalytic subunit; minus strand). Cytogenetic location: 15q26.1.
Variant type: Deletion.
Coding change: c.1950-32_1950-30del on transcript NM_002693.3 (MANE Select); 32 bases into the intron before coding-DNA position 1950 through 30 bases into the intron before coding-DNA position 1950, 3 bases deleted (AGC; older notation c.1950-32_1950-30delAGC).
Molecular consequence: intron variant.
Genome position (GRCh38, 1-based): chr15:89,324,257-89,324,259, GCT deleted on the plus strand (AGC on the coding strand, the reverse complement: POLG is on the minus strand); deleting any 3 consecutive bases within chr15:89,324,257-89,324,260 gives the same sequence; the c. name uses the placement nearest the transcript's 3' end. VCF-style (leftmost placement, unchanged base first): chr15-89324256-CGCT-C. GRCh37 (hg19) VCF-style: chr15-89867487-CGCT-C.
Other names: c.1950-32_1950-30del (NM_001126131.2).
Identifiers: ClinVar variation 619361 (VCV000619361.1), dbSNP rs1567188748, ClinGen allele CA10602211.
Genomic context (GRCh38, chr15:89,324,256, plus strand): 5'-GACAGTGCTTCCTGTACAGGGACTCGATGGCTCTGGGCAGAGAACAGTAGCAGCAGCAGC[CGCT>C]GATTACCAGATGCCCACTCTGGGCCAGGCAGCTTGCTAGTGCCTTCCACAATTCCCTTTG-3'